The following is an entry in ClinVar:

NM_000465.4(BARD1):c.161C>G (p.Thr54Ser)

Gene: BARD1 (BRCA1 associated RING domain 1; minus strand). Cytogenetic location: 2q35.
Variant type: single nucleotide variant.
Coding change: c.161C>G on transcript NM_000465.4 (MANE Select); coding-DNA position 161, C replaced by G.
Protein change: p.Thr54Ser; replaces threonine 54 with serine.
Molecular consequence: missense variant. On other transcripts: non-coding transcript variant (2), intron variant (2).
Genome position (GRCh38, 1-based): chr2:214,797,115, G>C on the plus strand (C>G on the coding strand, the complement: BARD1 is on the minus strand). VCF-style: chr2-214797115-G-C. GRCh37 (hg19) VCF-style: chr2-215661839-G-C.
Other names: c.161C>G, p.Thr54Ser (NM_001282545.2, NM_001282549.2); c.158+12297C>G (NM_001282548.2); c.159-4670C>G (NM_001282543.2); short protein forms T54S.
Identifiers: ClinVar variation 243115 (VCV000243115.25), dbSNP rs879253878, ClinGen allele CA10584183.

ClinVar aggregate classification (germline): Conflicting classifications of pathogenicity. Review status: criteria provided, conflicting classifications (1 of 4 stars). 5 submissions from 5 submitters: Uncertain significance (4); Likely benign (1). Last evaluated 2025-12-22.

Conditions:
Hereditary cancer-predisposing syndrome. Also called: Tumor predisposition; Hereditary neoplastic syndrome; Hereditary Cancer Syndrome; Neoplastic Syndromes, Hereditary. Identifiers: Orphanet 140162, MedGen C0027672, MeSH D009386, MONDO:0015356.
Familial cancer of breast. Also called: BREAST CANCER, FAMILIAL; hereditary breast carcinoma; Hereditary breast cancer. Identifiers: Orphanet 227535, MedGen C0346153, MONDO:0016419, OMIM 114480. Disease mechanism: loss of function.
Breast and/or ovarian cancer. Identifiers: MedGen CN221562.

Allele frequency attached by ClinVar (database versions not stated): TOPMed 0.00002; gnomAD exomes 0.00001; gnomAD 0.00001.
gnomAD v4.1: 9 of 1,612,012 alleles (0.00056%); highest among the groups gnomAD compares: Non-Finnish European, 0.00076%; no homozygotes.

Submissions (5):

Ambry Genetics
Classification: Uncertain significance for Hereditary cancer-predisposing syndrome. Last evaluated: 2025-12-22. Review status: criteria provided, single submitter. Criteria: Ambry Variant Classification Scheme 2023. Collection method: clinical testing. Allele origin: germline.
Comment: The p.T54S variant (also known as c.161C>G), located in coding exon 2 of the BARD1 gene, results from a C to G substitution at nucleotide position 161. The threonine at codon 54 is replaced by serine, an amino acid with similar properties. This amino acid position is poorly conserved in available vertebrate species. In addition, this alteration is predicted to be tolerated by in silico analysis. Since supporting evidence is limited at this time, the clinical significance of this alteration remains unclear.

Labcorp Genetics (formerly Invitae), Labcorp
Classification: Uncertain significance for Familial cancer of breast. Last evaluated: 2025-09-12. Review status: criteria provided, single submitter. Criteria: Invitae Variant Classification Sherloc (09022015). Collection method: clinical testing. Allele origin: germline.
Comment: This sequence change replaces threonine, which is neutral and polar, with serine, which is neutral and polar, at codon 54 of the BARD1 protein (p.Thr54Ser). This variant is not present in population databases (gnomAD no frequency). This variant has not been reported in the literature in individuals affected with BARD1-related conditions. ClinVar contains an entry for this variant (Variation ID: 243115). An algorithm developed to predict the effect of missense changes on protein structure and function outputs the following: PolyPhen-2: "Benign". The serine amino acid residue is found in multiple mammalian species, which suggests that this missense change does not adversely affect protein function. RNA analysis performed to evaluate the impact of this missense change on mRNA splicing indicates it does not significantly alter splicing (internal data). In summary, the available evidence is currently insufficient to determine the role of this variant in disease. Therefore, it has been classified as a Variant of Uncertain Significance.

Color Diagnostics, LLC DBA Color Health
Classification: Likely benign for Hereditary cancer-predisposing syndrome. Last evaluated: 2025-07-25. Review status: criteria provided, single submitter. Criteria: ACMG Guidelines, 2015. Collection method: clinical testing. Allele origin: germline.

GeneDx
Classification: Uncertain significance. Last evaluated: 2023-07-27. Review status: criteria provided, single submitter. Criteria: GeneDx Variant Classification Process June 2021. Collection method: clinical testing. Allele origin: germline. Affected: yes.
Comment: Has not been previously published as pathogenic or benign to our knowledge; In silico analysis suggests this variant may impact gene splicing. In the absence of RNA/functional studies, the actual effect of this sequence change is unknown.; In silico analysis supports that this missense variant does not alter protein structure/function; Not observed at significant frequency in large population cohorts (gnomAD); This variant is associated with the following publications: (PMID: 18480049)

CHEO Genetics Diagnostic Laboratory, Children's Hospital of Eastern Ontario
Classification: Uncertain significance for Breast and/or ovarian cancer. Last evaluated: 2023-01-06. Review status: criteria provided, single submitter. Criteria: ACMG Guidelines, 2015. Collection method: clinical testing. Allele origin: germline.